The following is an entry in ClinVar:

ClinVar aggregate classification (germline): Conflicting classifications of pathogenicity. Review status: criteria provided, conflicting classifications (1 of 4 stars). 6 submissions from 6 submitters: Uncertain significance (4); Likely benign (1). 1 of the submissions does not count toward it. Last evaluated 2025-11-20.

Conditions:
Fanconi anemia (FA). Also called: Fanconi's anemia. Identifiers: Orphanet 84, MedGen C0015625, MeSH D005199, MONDO:0019391.
Fanconi anemia complementation group A (FANCA). Also called: Fanconi anemia, group A; FANCA-Related Fanconi Anemia. Identifiers: Orphanet 84, MedGen C3469521, MONDO:0009215, OMIM 227650.
Inborn genetic diseases. Identifiers: MedGen C0950123, MeSH D030342.

Allele frequency attached by ClinVar (database versions not stated): gnomAD 0.00001; gnomAD exomes 0.00002.
gnomAD v4.1: 21 of 1,613,608 alleles (0.0013%); highest among the groups gnomAD compares: African/African-American, 0.0027%; no homozygotes.

Submissions (6):

Ambry Genetics
Classification: Likely benign for Inborn genetic diseases. Last evaluated: 2025-11-20. Review status: criteria provided, single submitter. Criteria: Ambry Variant Classification Scheme 2023. Collection method: clinical testing. Allele origin: germline.

St. Jude Molecular Pathology, St. Jude Children's Research Hospital
Classification: Uncertain significance for Fanconi anemia complementation group A. Last evaluated: 2024-07-09. Review status: criteria provided, single submitter. Criteria: St. Jude Assertion Criteria 2020. Collection method: clinical testing. Allele origin: germline.
Comment: The FANCA c.2570G>A (p.Cys857Tyr) missense change is absent in gnomAD v2.1.1. The in silico tool REVEL predicts a benign effect on protein function, but to our knowledge this prediction has not been confirmed by functional studies. To our knowledge, this variant has not been reported in individuals with Fanconi anemia. In summary, the evidence currently available is insufficient to determine the clinical significance of this variant. It has therefore been classified as of uncertain significance.

Mayo Clinic Laboratories, Mayo Clinic
Classification: Uncertain significance. Last evaluated: 2024-05-02. Review status: criteria provided, single submitter. Criteria: ACMG Guidelines, 2015. Collection method: clinical testing. Allele origin: germline. Observed: 1 variant allele.
Comment: BP4, PM2

Labcorp Genetics (formerly Invitae), Labcorp
Classification: Uncertain significance for Fanconi anemia. Last evaluated: 2022-03-26. Review status: criteria provided, single submitter. Criteria: Invitae Variant Classification Sherloc (09022015). Collection method: clinical testing. Allele origin: germline.
Comment: This sequence change replaces cysteine, which is neutral and slightly polar, with tyrosine, which is neutral and polar, at codon 857 of the FANCA protein (p.Cys857Tyr). This variant is not present in population databases (gnomAD no frequency). This variant has not been reported in the literature in individuals affected with FANCA-related conditions. ClinVar contains an entry for this variant (Variation ID: 321346). Advanced modeling of protein sequence and biophysical properties (such as structural, functional, and spatial information, amino acid conservation, physicochemical variation, residue mobility, and thermodynamic stability) performed at Invitae indicates that this missense variant is not expected to disrupt FANCA protein function. In summary, the available evidence is currently insufficient to determine the role of this variant in disease. Therefore, it has been classified as a Variant of Uncertain Significance.

Illumina Laboratory Services, Illumina
Classification: Uncertain significance for Fanconi anemia complementation group A. Last evaluated: 2018-01-13. Review status: criteria provided, single submitter. Criteria: ICSL Variant Classification Criteria 13 December 2019. Collection method: clinical testing. Allele origin: germline.

Natera, Inc.
Classification: Uncertain significance for Fanconi anemia, group A. Last evaluated: 2020-08-15. Review status: no assertion criteria provided. Collection method: clinical testing. Allele origin: germline. Not counted in ClinVar's aggregate classification.

NM_000135.4(FANCA):c.2570G>A (p.Cys857Tyr)

Gene: FANCA (FA complementation group A; minus strand). Cytogenetic location: 16q24.3.
Variant type: single nucleotide variant.
Coding change: c.2570G>A on transcript NM_000135.4 (MANE Select); coding-DNA position 2570, G replaced by A.
Protein change: p.Cys857Tyr; replaces cysteine 857 with tyrosine.
Molecular consequence: missense variant.
Genome position (GRCh38, 1-based): chr16:89,767,172, C>T on the plus strand (G>A on the coding strand, the complement: FANCA is on the minus strand). VCF-style: chr16-89767172-C-T. GRCh37 (hg19) VCF-style: chr16-89833580-C-T.
Other names: p.Cys857Tyr; c.2570G>A (LRG_495t1); c.2570G>A, p.Cys857Tyr (NM_001286167.3); short protein forms C857Y.
Identifiers: ClinVar variation 321346 (VCV000321346.12), dbSNP rs886052484, ClinGen allele CA10649312.